The following is an entry in ClinVar:

ClinVar aggregate classification (germline): Uncertain significance (1 of 4 stars; one submission).

Allele frequency attached by ClinVar (database versions not stated): gnomAD exomes below 0.00001.

Submission:

Ambry Genetics
Classification: Uncertain significance. Last evaluated: 2023-08-03. Review status: criteria provided, single submitter. Criteria: Ambry Variant Classification Scheme 2023. Collection method: clinical testing. Allele origin: germline.
Comment: The p.P15S variant (also known as c.43C>T), located in coding exon 1 of the EGLN2 gene, results from a C to T substitution at nucleotide position 43. The proline at codon 15 is replaced by serine, an amino acid with similar properties. This amino acid position is conserved. In addition, this alteration is predicted to be tolerated by in silico analysis. Since supporting evidence is limited at this time, the clinical significance of this alteration remains unclear.

NM_080732.4(EGLN2):c.43C>T (p.Pro15Ser)

Genes: EGLN2 (egl-9 family hypoxia inducible factor 2; plus strand), RAB4B-EGLN2 (RAB4B-EGLN2 readthrough (NMD candidate); plus strand). Cytogenetic location: 19q13.2.
Variant type: single nucleotide variant.
Coding change: c.43C>T on transcript NM_080732.4 (MANE Select); coding-DNA position 43, C replaced by T.
Protein change: p.Pro15Ser; replaces proline 15 with serine.
Molecular consequence: missense variant. On other transcripts: non-coding transcript variant (1).
Genome position (GRCh38, 1-based): chr19:40,800,615, C>T. VCF-style: chr19-40800615-C-T. GRCh37 (hg19) VCF-style: chr19-41306520-C-T.
Other names: c.43C>T, p.Pro15Ser (NM_053046.4); short protein forms P15S.
Identifiers: ClinVar variation 1740306 (VCV001740306.3), dbSNP rs1248069748, ClinGen allele CA405954449.